The following is an entry in ClinVar:

ClinVar aggregate classification (germline): Uncertain significance. Review status: criteria provided, multiple submitters, no conflicts (2 of 4 stars). 2 submissions from 2 submitters: Uncertain significance (2). Last evaluated 2020-03-17.

Conditions:
Microcephalic primordial dwarfism due to RTTN deficiency (MSSP). Also called: MICROCEPHALY, SHORT STATURE, AND POLYMICROGYRIA; Microcephaly, short stature, and polymicrogyria with or without seizures. Identifiers: Orphanet 468631, MedGen C3553831, MONDO:0018764, OMIM 614833.

Submissions (2):

Revvity Omics, Revvity
Classification: Uncertain significance for Microcephalic primordial dwarfism due to RTTN deficiency. Last evaluated: 2020-03-17. Review status: criteria provided, single submitter. Criteria: ACMG Guidelines, 2015. Collection method: clinical testing. Allele origin: germline.

Baylor Genetics
Classification: Uncertain significance for Microcephalic primordial dwarfism due to RTTN deficiency. Last evaluated: 2019-05-04. Review status: criteria provided, single submitter. Criteria: ACMG Guidelines, 2015. Collection method: clinical testing. Allele origin: unknown. Affected: yes.
Comment: This variant was determined to be of uncertain significance according to ACMG Guidelines, 2015 [PMID:25741868].

NM_173630.4(RTTN):c.487+2T>G

Gene: RTTN (rotatin; minus strand). Cytogenetic location: 18q22.2.
Variant type: single nucleotide variant.
Coding change: c.487+2T>G on transcript NM_173630.4 (MANE Select); the canonical splice donor site of the intron after coding-DNA position 487, T replaced by G.
Molecular consequence: splice donor variant.
Genome position (GRCh38, 1-based): chr18:70,201,892, A>C on the plus strand (T>G on the coding strand, the complement: RTTN is on the minus strand). VCF-style: chr18-70201892-A-C. GRCh37 (hg19) VCF-style: chr18-67869128-A-C.
Other names: c.-2067+2T>G (NM_001318520.2).
Identifiers: ClinVar variation 1031275 (VCV001031275.4), dbSNP rs2061961914, ClinGen allele CA402700518.